The following is an entry in ClinVar:

NM_001430.5(EPAS1):c.352T>C (p.Phe118Leu)

Gene: EPAS1 (endothelial PAS domain protein 1; plus strand). Cytogenetic location: 2p21.
Variant type: single nucleotide variant.
Coding change: c.352T>C on transcript NM_001430.5 (MANE Select); coding-DNA position 352, T replaced by C.
Protein change: p.Phe118Leu; replaces phenylalanine 118 with leucine.
Molecular consequence: missense variant.
Genome position (GRCh38, 1-based): chr2:46,356,285, T>C. VCF-style: chr2-46356285-T-C. GRCh37 (hg19) VCF-style: chr2-46583424-T-C.
Other names: short protein forms F118L.
Identifiers: ClinVar variation 1732357 (VCV001732357.3), dbSNP rs751765775, ClinGen allele CA1644611.

ClinVar aggregate classification (germline): Uncertain significance (1 of 4 stars; one submission).

Conditions:
Inborn genetic diseases. Identifiers: MedGen C0950123, MeSH D030342.

Allele frequency attached by ClinVar (database versions not stated): TOPMed below 0.00001; gnomAD exomes 0.00001; ExAC 0.00006.
gnomAD v4.1: 6 of 1,614,116 alleles (0.00037%); highest among the groups gnomAD compares: Admixed American, 0.01%; no homozygotes.

Submission:

Ambry Genetics
Classification: Uncertain significance for Inborn genetic diseases. Last evaluated: 2024-07-17. Review status: criteria provided, single submitter. Criteria: Ambry Variant Classification Scheme 2023. Collection method: clinical testing. Allele origin: germline.
Comment: The p.F118L variant (also known as c.352T>C), located in coding exon 3 of the EPAS1 gene, results from a T to C substitution at nucleotide position 352. The phenylalanine at codon 118 is replaced by leucine, an amino acid with highly similar properties. This amino acid position is conserved. In addition, this alteration is predicted to be tolerated by in silico analysis. Since supporting evidence is limited at this time, the clinical significance of this alteration remains unclear.